The following is an entry in ClinVar:

NM_015338.6(ASXL1):c.2400T>G (p.Asp800Glu)

Gene: ASXL1 (ASXL transcriptional regulator 1; plus strand). Cytogenetic location: 20q11.21.
Variant type: single nucleotide variant.
Coding change: c.2400T>G on transcript NM_015338.6 (MANE Select); coding-DNA position 2400, T replaced by G.
Protein change: p.Asp800Glu; replaces aspartic acid 800 with glutamic acid.
Molecular consequence: missense variant.
Genome position (GRCh38, 1-based): chr20:32,435,112, T>G. VCF-style: chr20-32435112-T-G. GRCh37 (hg19) VCF-style: chr20-31022915-T-G.
Other names: c.2217T>G, p.Asp739Glu (NM_001363734.1); short protein forms D800E, D739E.
Identifiers: ClinVar variation 1414305 (VCV001414305.8), dbSNP rs1178321509, ClinGen allele CA408559736.

ClinVar aggregate classification (germline): Uncertain significance (1 of 4 stars; one submission).

Allele frequency attached by ClinVar (database versions not stated): gnomAD exomes below 0.00001; TOPMed 0.00001.
gnomAD v4.1: 7 of 1,613,972 alleles (0.00043%); highest among the groups gnomAD compares: African/African-American, 0.0013%; no homozygotes.

Submission:

Labcorp Genetics (formerly Invitae), Labcorp
Classification: Uncertain significance. Last evaluated: 2025-12-27. Review status: criteria provided, single submitter. Criteria: Invitae Variant Classification Sherloc (09022015). Collection method: clinical testing. Allele origin: germline.
Comment: This sequence change replaces aspartic acid, which is acidic and polar, with glutamic acid, which is acidic and polar, at codon 800 of the ASXL1 protein (p.Asp800Glu). This variant is not present in population databases (gnomAD no frequency). This variant has not been reported in the literature in individuals affected with ASXL1-related conditions. ClinVar contains an entry for this variant (Variation ID: 1414305). An algorithm developed to predict the effect of missense changes on protein structure and function outputs the following: PolyPhen-2: "Benign". The glutamic acid amino acid residue is found in multiple mammalian species, which suggests that this missense change does not adversely affect protein function. In summary, the available evidence is currently insufficient to determine the role of this variant in disease. Therefore, it has been classified as a Variant of Uncertain Significance.